The following is an entry in ClinVar:

NM_031935.3(HMCN1):c.9314_9315del (p.His3105fs)

Gene: HMCN1 (hemicentin 1; plus strand). Cytogenetic location: 1q31.1.
Variant type: Deletion.
Coding change: c.9314_9315del on transcript NM_031935.3 (MANE Select); coding-DNA positions 9314 to 9315, 2 bases deleted (AT; older notation c.9314_9315delAT).
Protein change: p.His3105fs; shifts the reading frame from histidine 3105.
Molecular consequence: frameshift variant.
Genome position (GRCh38, 1-based): chr1:186,087,596-186,087,597, AT deleted. VCF-style (leftmost placement, unchanged base first): chr1-186087595-CAT-C. GRCh37 (hg19) VCF-style: chr1-186056727-CAT-C.
Other names: short protein forms H3105fs.
Identifiers: ClinVar variation 4754901 (VCV004754901.1).

ClinVar aggregate classification (germline): Uncertain significance (1 of 4 stars; one submission).

Submission:

Labcorp Genetics (formerly Invitae), Labcorp
Classification: Uncertain significance. Last evaluated: 2025-02-25. Review status: criteria provided, single submitter. Criteria: Invitae Variant Classification Sherloc (09022015). Collection method: clinical testing. Allele origin: germline.
Comment: This sequence change creates a premature translational stop signal (p.His3105Argfs*6) in the HMCN1 gene. It is expected to result in an absent or disrupted protein product. However, the current clinical and genetic evidence is not sufficient to establish whether loss-of-function variants in HMCN1 cause disease. This variant is present in population databases (rs753491403, gnomAD 0.01%). This variant has not been reported in the literature in individuals affected with HMCN1-related conditions. Algorithms developed to predict the effect of sequence changes on RNA splicing suggest that this variant may disrupt the consensus splice site. In summary, the available evidence is currently insufficient to determine the role of this variant in disease. Therefore, it has been classified as a Variant of Uncertain Significance.